The following is an entry in ClinVar:

NM_001130823.3(DNMT1):c.3706C>G (p.Leu1236Val)

Gene: DNMT1 (DNA methyltransferase 1; minus strand). Cytogenetic location: 19p13.2.
Variant type: single nucleotide variant.
Coding change: c.3706C>G on transcript NM_001130823.3 (MANE Select); coding-DNA position 3706, C replaced by G.
Protein change: p.Leu1236Val; replaces leucine 1236 with valine.
Molecular consequence: missense variant.
Genome position (GRCh38, 1-based): chr19:10,140,146, G>C on the plus strand (C>G on the coding strand, the complement: DNMT1 is on the minus strand). VCF-style: chr19-10140146-G-C. GRCh37 (hg19) VCF-style: chr19-10250822-G-C.
Other names: c.3658C>G, p.Leu1220Val (NM_001318730.2, NM_001379.4); c.3343C>G, p.Leu1115Val (NM_001318731.2); short protein forms L1115V, L1220V, L1236V.
Identifiers: ClinVar variation 2699004 (VCV002699004.3), dbSNP rs2513779358, ClinGen allele CA403972898.

ClinVar aggregate classification (germline): Uncertain significance (1 of 4 stars; one submission).

Conditions:
Hereditary sensory neuropathy-deafness-dementia syndrome. Also called: NEUROPATHY, HEREDITARY SENSORY, WITH HEARING LOSS AND DEMENTIA; Hereditary Sensory and Autonomic Neuropathy Type 1E (HSAN1E); Hereditary sensory neuropathy type IE; HSN IE. Identifiers: Orphanet 456318, MedGen C3279885, MONDO:0013584, OMIM 614116.

Submission:

Labcorp Genetics (formerly Invitae), Labcorp
Classification: Uncertain significance for Hereditary sensory neuropathy-deafness-dementia syndrome. Last evaluated: 2023-12-22. Review status: criteria provided, single submitter. Criteria: Invitae Variant Classification Sherloc (09022015). Collection method: clinical testing. Allele origin: germline.
Comment: This sequence change replaces leucine, which is neutral and non-polar, with valine, which is neutral and non-polar, at codon 1236 of the DNMT1 protein (p.Leu1236Val). This variant is not present in population databases (gnomAD no frequency). This variant has not been reported in the literature in individuals affected with DNMT1-related conditions. Advanced modeling of protein sequence and biophysical properties (such as structural, functional, and spatial information, amino acid conservation, physicochemical variation, residue mobility, and thermodynamic stability) performed at Invitae indicates that this missense variant is expected to disrupt DNMT1 protein function with a positive predictive value of 80%. In summary, the available evidence is currently insufficient to determine the role of this variant in disease. Therefore, it has been classified as a Variant of Uncertain Significance.